The following is an entry in ClinVar:

NM_001330260.2(SCN8A):c.4441A>G (p.Met1481Val)

Gene: SCN8A (sodium voltage-gated channel alpha subunit 8; plus strand). Cytogenetic location: 12q13.13.
Variant type: single nucleotide variant.
Coding change: c.4441A>G on transcript NM_001330260.2 (MANE Select); coding-DNA position 4441, A replaced by G.
Protein change: p.Met1481Val; replaces methionine 1481 with valine.
Molecular consequence: missense variant.
Genome position (GRCh38, 1-based): chr12:51,790,419, A>G. VCF-style: chr12-51790419-A-G. GRCh37 (hg19) VCF-style: chr12-52184203-A-G.
Other names: c.4318A>G, p.Met1440Val (NM_001177984.3, NM_001369788.1); c.4441A>G, p.Met1481Val (NM_014191.4); short protein forms M1481V, M1440V.
Identifiers: ClinVar variation 280470 (VCV000280470.51), dbSNP rs886041670, ClinGen allele CA10603278.
Genomic context (GRCh38, chr12:51,790,419, plus strand): 5'-GCCAGTTGTAATTGTCTGTTTTCTTCTTCCCTCCTTTACTTCGGAGGTCAGGACATCTTC[A>G]TGACCGAAGAACAGAAGAAGTACTACAATGCCATGAAAAAGCTGGGCTCAAAGAAGCCAC-3'
Protein context (NP_001317189.1, residues 1471-1491): KKKFGGQDIF[Met1481Val]TEEQKKYYNA

ClinVar aggregate classification (germline): Conflicting classifications of pathogenicity. Review status: criteria provided, conflicting classifications (1 of 4 stars). 4 submissions from 4 submitters: Pathogenic (1); Likely pathogenic (1); Uncertain significance (2). Last evaluated 2023-07-06.

Conditions:
Cognitive impairment with or without cerebellar ataxia (CIAT). Identifiers: MedGen C3280415, MONDO:0013680, OMIM 614306.
Seizures, benign familial infantile, 5 (BFIS5). Also called: CONVULSIONS, BENIGN FAMILIAL INFANTILE, 5. Identifiers: Orphanet 306, MedGen C4310728, MONDO:0014903, OMIM 617080.
Developmental and epileptic encephalopathy, 13 (DEE13). Also called: Developmental and Epileptic Encephalopathy (SCN8A-DEE); SCN8A-Related Epilepsy; Early infantile epileptic encephalopathy 13. Identifiers: Orphanet 442835, MedGen C3281191, MONDO:0013801, OMIM 614558.
Early-infantile DEE. Also called: Early infantile epileptic encephalopathy; Ohtahara syndrome; Early infantile epileptic encephalopathy with suppression bursts. Identifiers: Orphanet 1934, MedGen C0393706, MONDO:0800491.

Submissions (4):

GeneDx
Classification: Pathogenic. Last evaluated: 2023-07-06. Review status: criteria provided, single submitter. Criteria: GeneDx Variant Classification Process June 2021. Collection method: clinical testing. Allele origin: germline. Affected: yes.
Comment: Not observed at significant frequency in large population cohorts (gnomAD); Missense variants in this gene are often considered pathogenic (HGMD); In silico analysis supports that this missense variant has a deleterious effect on protein structure/function; Has not been previously published as pathogenic or benign to our knowledge; This variant is associated with the following publications: (PMID: 26029160)

Labcorp Genetics (formerly Invitae), Labcorp
Classification: Uncertain significance for Early-infantile DEE. Last evaluated: 2022-02-24. Review status: criteria provided, single submitter. Criteria: Invitae Variant Classification Sherloc (09022015). Collection method: clinical testing. Allele origin: germline.
Comment: This sequence change replaces methionine, which is neutral and non-polar, with valine, which is neutral and non-polar, at codon 1481 of the SCN8A protein (p.Met1481Val). This variant is not present in population databases (gnomAD no frequency). This variant has not been reported in the literature in individuals affected with SCN8A-related conditions. ClinVar contains an entry for this variant (Variation ID: 280470). Algorithms developed to predict the effect of missense changes on protein structure and function are either unavailable or do not agree on the potential impact of this missense change (SIFT: "Deleterious"; PolyPhen-2: "Benign"; Align-GVGD: "Class C0"). In summary, the available evidence is currently insufficient to determine the role of this variant in disease. Therefore, it has been classified as a Variant of Uncertain Significance.

CeGaT Center for Human Genetics Tuebingen
Classification: Uncertain significance. Last evaluated: 2021-10-01. Review status: criteria provided, single submitter. Criteria: CeGaT Center For Human Genetics Tuebingen Variant Classification Criteria Version 2. Collection method: clinical testing. Allele origin: germline. Affected: yes. Observed: 1 variant allele.

New York Genome Center
Classification: Likely pathogenic for Developmental and epileptic encephalopathy, 13; Cognitive impairment with or without cerebellar ataxia; Seizures, benign familial infantile, 5. Last evaluated: 2020-01-10. Review status: criteria provided, single submitter. Criteria: NYGC Assertion Criteria 2020. Collection method: clinical testing. Allele origin: inherited. Affected: yes. Observed: 1 heterozygote. Study: CSER-NYCKidSeq. Segregation with disease observed.
Comment: The heterozygous missense p.Met1481Val variant is absent from the gnomAD database. The variant has been submitted to the ClinVar database by other genetic testing laboratories, including one instance where a laboratory has reported this variant as confirmed de novo in a patient with seizures [Variation ID: 280470]. Most of the SCN8A pathogenic variants reported to-date are missense and de novo [NBK379665; PMID: 25568300]. The p.Met1481Val variant is predicted deleterious by multiple in silico prediction tools. The affected residue is evolutionarily conserved and is predicted to be located in the cytoplasmic loop between the third and fourth homologous repeat domains [PMID: 26029160].